The following is an entry in ClinVar:

ClinVar aggregate classification (germline): Uncertain significance (1 of 4 stars; one submission).

Conditions:
MHC class II deficiency. Also called: Bare lymphocyte syndrome 2; BLS, TYPE II. Identifiers: Orphanet 572, MedGen C5447452, MONDO:0008855.

Submission:

Labcorp Genetics (formerly Invitae), Labcorp
Classification: Uncertain significance for MHC class II deficiency. Last evaluated: 2022-07-19. Review status: criteria provided, single submitter. Criteria: Invitae Variant Classification Sherloc (09022015). Collection method: clinical testing. Allele origin: germline.
Comment: This sequence change replaces glutamic acid, which is acidic and polar, with glycine, which is neutral and non-polar, at codon 929 of the CIITA protein (p.Glu929Gly). This variant is not present in population databases (gnomAD no frequency). This variant has not been reported in the literature in individuals affected with CIITA-related conditions. Algorithms developed to predict the effect of missense changes on protein structure and function (SIFT, PolyPhen-2, Align-GVGD) all suggest that this variant is likely to be tolerated. In summary, the available evidence is currently insufficient to determine the role of this variant in disease. Therefore, it has been classified as a Variant of Uncertain Significance.

NM_000246.4(CIITA):c.2786A>G (p.Glu929Gly)

Gene: CIITA (class II major histocompatibility complex transactivator; plus strand). Cytogenetic location: 16p13.13.
Variant type: single nucleotide variant.
Coding change: c.2786A>G on transcript NM_000246.4 (MANE Select); coding-DNA position 2786, A replaced by G.
Protein change: p.Glu929Gly; replaces glutamic acid 929 with glycine.
Molecular consequence: missense variant.
Genome position (GRCh38, 1-based): chr16:10,909,157, A>G. VCF-style: chr16-10909157-A-G. GRCh37 (hg19) VCF-style: chr16-11003014-A-G.
Other names: c.2789A>G, p.Glu930Gly (NM_001286402.1, NM_001379332.1); c.1034A>G, p.Glu345Gly (NM_001286403.2); c.2642A>G, p.Glu881Gly (NM_001379330.1); c.2639A>G, p.Glu880Gly (NM_001379331.1); c.2786A>G, p.Glu929Gly (NM_001379333.1); c.2717A>G, p.Glu906Gly (NM_001379334.1); short protein forms E345G, E881G, E930G, E929G, E906G, E880G.
Identifiers: ClinVar variation 2054163 (VCV002054163.4), dbSNP rs2544514993, ClinGen allele CA394735074.